The following is an entry in ClinVar:

NM_000256.3(MYBPC3):c.1090+1G>T

Gene: MYBPC3 (myosin binding protein C3; minus strand). Cytogenetic location: 11p11.2.
Variant type: single nucleotide variant.
Coding change: c.1090+1G>T on transcript NM_000256.3 (MANE Select); the canonical splice donor site of the intron after coding-DNA position 1090, G replaced by T.
Molecular consequence: splice donor variant.
Genome position (GRCh38, 1-based): chr11:47,346,206, C>A on the plus strand (G>T on the coding strand, the complement: MYBPC3 is on the minus strand). VCF-style: chr11-47346206-C-A. GRCh37 (hg19) VCF-style: chr11-47367757-C-A.
Identifiers: ClinVar variation 177686 (VCV000177686.12), dbSNP rs727504269, ClinGen allele CA009753.
Genomic context (GRCh38, chr11:47,346,206, plus strand): 5'-TCTCCTGTGTAGGGAAGGGCTAGCCTGTGCCCTCTCCTCTCCCCTCTGAGGAAGGGCTAA[C>A]CTGTGCTCTTCTTCTCATCGCGCCTCATGCCCTTGAGCCTCTTTAGCATGCCGCGCAGGT-3'

ClinVar aggregate classification (germline): Pathogenic. Review status: criteria provided, multiple submitters, no conflicts (2 of 4 stars). 4 submissions from 4 submitters: Pathogenic (3). 1 of the submissions does not count toward it. Last evaluated 2026-01-06.

Conditions:
Cardiomyopathy (CMYO). Also called: Cardiomyopathies. Identifiers: Orphanet 167848, MedGen C0878544, MONDO:0004994, HP:0001638. Inheritance: Various modes of inheritance.
Hypertrophic cardiomyopathy. Also called: HYPERTROPHIC MYOCARDIOPATHY. Identifiers: Orphanet 217569, MedGen C0007194, MeSH D002312, MONDO:0005045, HP:0001639.

Allele frequency attached by ClinVar (database versions not stated): gnomAD exomes below 0.00001.

Submissions (4):

Labcorp Genetics (formerly Invitae), Labcorp
Classification: Pathogenic for Hypertrophic cardiomyopathy. Last evaluated: 2026-01-06. Review status: criteria provided, single submitter. Criteria: Invitae Variant Classification Sherloc (09022015). Collection method: clinical testing. Allele origin: germline.
Comment: This sequence change affects a donor splice site in intron 12 of the MYBPC3 gene. It is expected to disrupt RNA splicing. Variants that disrupt the donor or acceptor splice site typically lead to a loss of protein function (PMID: 16199547), and loss-of-function variants in MYBPC3 are known to be pathogenic (PMID: 19574547). This variant is present in population databases (rs727504269, gnomAD 0.0009%). Disruption of this splice site has been observed in individuals with hypertrophic cardiomyopathy (PMID: 16858239, 20624503, 22112859, 26914223, 27532257; internal data). This variant is also known as IVS11+1G>T. ClinVar contains an entry for this variant (Variation ID: 177686). Algorithms developed to predict the effect of sequence changes on RNA splicing suggest that this variant may disrupt the consensus splice site. For these reasons, this variant has been classified as Pathogenic.

CHEO Genetics Diagnostic Laboratory, Children's Hospital of Eastern Ontario
Classification: Pathogenic for Cardiomyopathy. Last evaluated: 2020-09-03. Review status: criteria provided, single submitter. Criteria: ACMG Guidelines, 2015. Collection method: clinical testing. Allele origin: germline.

GeneDx
Classification: Pathogenic. Last evaluated: 2018-02-12. Review status: criteria provided, single submitter. Criteria: GeneDx Variant Classification (06012015). Collection method: clinical testing. Allele origin: germline. Affected: yes.
Comment: The c.1090+1 G>T pathogenic variant in the MYBPC3 gene has been reported in multiple individuals in association with HCM (Sato et al., 2012; Otsuka et al., 2012; Murphy et al., 2016; Walsh et al., 2017). Additionally, the c.1090+1 G>T variant has also been observed in other individuals referred for cardiomyopathy genetic testing at GeneDx. This variant destroys the canonical splice donor site in intron 12 and is predicted to cause abnormal gene splicing. This variant is predicted to lead to either an abnormal message that is subject to nonsense-mediated mRNA decay, or to an abnormal protein product if the message is used for protein translation. Furthermore, two different variants involving the same nucleotide (c.1090+1 G>A, c.1090+1 G>C) have each been reported in association with HCM (Girolami et al., 2006; Millat et al., 2010), and several other downstream splice site variants in the MYBPC3 gene have been reported in HGMD in association with cardiomyopathy (Stenson et al., 2014). Finally, the c.1090+1 G>T variant is not observed at a significant frequency in large population cohorts (Lek et al., 2016).

Laboratory for Molecular Medicine, Mass General Brigham Personalized Medicine
Classification: Pathogenic for Hypertrophic cardiomyopathy. Last evaluated: 2013-03-04. Review status: no assertion criteria provided. Collection method: clinical testing. Allele origin: germline. Inheritance: Autosomal dominant inheritance. Observed: 1 variant allele. Not counted in ClinVar's aggregate classification.
Comment: proposed classification - variant undergoing re-assessment, contact laboratory

Literature cited by the submitters: PubMed 16199547 (cited by Labcorp Genetics (formerly Invitae), Labcorp); PubMed 19574547 (cited by Labcorp Genetics (formerly Invitae), Labcorp); PubMed 16858239 (cited by Labcorp Genetics (formerly Invitae), Labcorp); PubMed 20624503 (cited by Labcorp Genetics (formerly Invitae), Labcorp); PubMed 22112859 (cited by Labcorp Genetics (formerly Invitae), Labcorp); PubMed 26914223 (cited by Labcorp Genetics (formerly Invitae), Labcorp); PubMed 27532257 (cited by Labcorp Genetics (formerly Invitae), Labcorp).